The following is an entry in ClinVar:

ClinVar aggregate classification (germline): Uncertain significance (1 of 4 stars; one submission).

Allele frequency attached by ClinVar (database versions not stated): gnomAD exomes below 0.00001; ExAC 0.00002.
gnomAD v4.1: 5 of 1,612,206 alleles (0.00031%); highest among the groups gnomAD compares: Admixed American, 0.0083%; no homozygotes.

Submission:

Labcorp Genetics (formerly Invitae), Labcorp
Classification: Uncertain significance. Last evaluated: 2022-09-17. Review status: criteria provided, single submitter. Criteria: Invitae Variant Classification Sherloc (09022015). Collection method: clinical testing. Allele origin: germline.
Comment: In summary, the available evidence is currently insufficient to determine the role of this variant in disease. Therefore, it has been classified as a Variant of Uncertain Significance. Algorithms developed to predict the effect of missense changes on protein structure and function (SIFT, PolyPhen-2, Align-GVGD) all suggest that this variant is likely to be tolerated. This variant has not been reported in the literature in individuals affected with SCNN1B-related conditions. This variant is present in population databases (rs760398998, gnomAD 0.01%). This sequence change replaces phenylalanine, which is neutral and non-polar, with tyrosine, which is neutral and polar, at codon 293 of the SCNN1B protein (p.Phe293Tyr).

NM_000336.3(SCNN1B):c.878T>A (p.Phe293Tyr)

Gene: SCNN1B (sodium channel epithelial 1 subunit beta; plus strand). Cytogenetic location: 16p12.2.
Variant type: single nucleotide variant.
Coding change: c.878T>A on transcript NM_000336.3 (MANE Select); coding-DNA position 878, T replaced by A.
Protein change: p.Phe293Tyr; replaces phenylalanine 293 with tyrosine.
Molecular consequence: missense variant.
Genome position (GRCh38, 1-based): chr16:23,367,957, T>A. VCF-style: chr16-23367957-T-A. GRCh37 (hg19) VCF-style: chr16-23379278-T-A.
Other names: c.878T>A, p.Phe293Tyr (NM_001410900.1); short protein forms F293Y.
Identifiers: ClinVar variation 1933404 (VCV001933404.5), dbSNP rs760398998, ClinGen allele CA7960278.